The following is an entry in ClinVar:

NM_018489.3(ASH1L):c.4888A>G (p.Ser1630Gly)

Gene: ASH1L (ASH1 like histone lysine methyltransferase; minus strand). Cytogenetic location: 1q22.
Variant type: single nucleotide variant.
Coding change: c.4888A>G on transcript NM_018489.3 (MANE Select); coding-DNA position 4888, A replaced by G.
Protein change: p.Ser1630Gly; replaces serine 1630 with glycine.
Molecular consequence: missense variant.
Genome position (GRCh38, 1-based): chr1:155,477,982, T>C on the plus strand (A>G on the coding strand, the complement: ASH1L is on the minus strand). VCF-style: chr1-155477982-T-C. GRCh37 (hg19) VCF-style: chr1-155447773-T-C.
Other names: c.4888A>G, p.Ser1630Gly (NM_001366177.2); short protein forms S1630G.
Identifiers: ClinVar variation 1317076 (VCV001317076.2), dbSNP rs1472783837, ClinGen allele CA342695581.

ClinVar aggregate classification (germline): Uncertain significance (1 of 4 stars; one submission).

Allele frequency attached by ClinVar (database versions not stated): gnomAD exomes below 0.00001; TOPMed 0.00001.
gnomAD v4.1: 1 of 1,614,222 alleles (0.000062%); highest among the groups gnomAD compares: African/African-American, 0.0013%; no homozygotes.

Submission:

GeneDx
Classification: Uncertain significance. Last evaluated: 2019-06-18. Review status: criteria provided, single submitter. Criteria: GeneDx Variant Classification Process June 2021. Collection method: clinical testing. Allele origin: germline. Affected: yes.
Comment: Not observed in large population cohorts (Lek et al., 2016); In silico analysis, which includes protein predictors and evolutionary conservation, supports that this variant does not alter protein structure/function; Has not been previously published as pathogenic or benign to our knowledge